The following is an entry in ClinVar:

ClinVar aggregate classification (germline): Benign. Review status: reviewed by expert panel (3 of 4 stars). 25 submissions from 25 submitters: Benign (1). 24 of the submissions do not count toward it. Last evaluated 2015-08-10.

Conditions:
BRCA1-related disorder. Also called: BRCA1-related condition.
Hereditary cancer-predisposing syndrome. Also called: Hereditary Cancer Syndrome; Tumor predisposition; Neoplastic Syndromes, Hereditary; Hereditary neoplastic syndrome. Identifiers: Orphanet 140162, MedGen C0027672, MeSH D009386, MONDO:0015356.
Hereditary breast ovarian cancer syndrome. Also called: Breast and ovarian cancer; BRCA1- and BRCA2-Associated Hereditary Breast and Ovarian Cancer; Hereditary breast and ovarian cancer; Hereditary breast and ovarian cancer syndrome (HBOC); Hereditary breast and ovarian cancer syndrome; Hereditary breast and/or ovarian cancer syndrome. Identifiers: Orphanet 145, MedGen C0677776, MeSH D061325, MONDO:0003582. Disease mechanism: loss of function.
Breast-ovarian cancer, familial, susceptibility to, 1 (BROVCA1). Also called: BRCA1 Hereditary Breast and Ovarian Cancer; OVARIAN CANCER, SUSCEPTIBILITY TO. Identifiers: Orphanet 145, MedGen C2676676, MONDO:0011450, OMIM 604370. Disease mechanism: loss of function.

Allele frequency attached by ClinVar (database versions not stated): ExAC 0.00006; gnomAD 0.00006; gnomAD exomes 0.00006; TOPMed 0.00008; ESP Exome Variant Server 0.00023.
gnomAD v4.1: 101 of 1,613,486 alleles (0.0063%); highest among the groups gnomAD compares: Middle Eastern, 0.016%; no homozygotes.

Submissions 1 to 16 of 25:

Evidence-based Network for the Interpretation of Germline Mutant Alleles (ENIGMA)
Classification: Benign for Breast-ovarian cancer, familial 1. Last evaluated: 2015-08-10. Review status: reviewed by expert panel. Criteria: ENIGMA BRCA1/2 Classification Criteria (2015). Collection method: curation. Allele origin: germline.
Comment: IARC class based on posterior probability from multifactorial likelihood analysis, thresholds for class as per Plon et al. 2008 (PMID: 18951446). Class 1 based on posterior probability = 0.000446

Labcorp Genetics (formerly Invitae), Labcorp
Classification: Benign for Hereditary breast ovarian cancer syndrome. Last evaluated: 2026-01-26. Review status: criteria provided, single submitter. Criteria: Invitae Variant Classification Sherloc (09022015). Collection method: clinical testing. Allele origin: germline. Not counted in ClinVar's aggregate classification.

Institute for Biomarker Research, Medical Diagnostic Laboratories, L.L.C.
Classification: Likely benign for Hereditary breast ovarian cancer syndrome. Last evaluated: 2025-11-24. Review status: criteria provided, single submitter. Criteria: ACMG Guidelines, 2015. Collection method: clinical testing. Allele origin: germline. Not counted in ClinVar's aggregate classification.
Comment: The missense variant NM_007294.4(BRCA1):c.2412G>C (p.Gln804His) has been reported to ClinVar as Benign with a status of (3 stars) reviewed by expert panel (Accession: VCV000054561.54). There is a small physicochemical difference between glutamine and histidine, which is not likely to impact secondary protein structure as these residues share similar properties. The gene BRCA1 has a low rate of benign missense variation as indicated by a high missense variants Z-Score of 2.32. The p.Gln804His missense variant is predicted to be tolerated by both SIFT or PolyPhen2.The nucleotide c.2412 in BRCA1 is not conserved according to a GERP++ and PhyloP analysis of 100 vertebrates. For these reasons, this variant has been classified as Likely Benign.

Center for Genomic Medicine, Rigshospitalet, Copenhagen University Hospital
Classification: Benign. Last evaluated: 2025-03-04. Review status: criteria provided, single submitter. Criteria: ACMG Guidelines, 2015. Collection method: clinical testing. Allele origin: germline. Not counted in ClinVar's aggregate classification.

Laboratory of Genetics, Children's Clinical University Hospital Latvia
Classification: Benign. Last evaluated: 2025-02-16. Review status: criteria provided, single submitter. Criteria: ACMG Guidelines, 2015. Collection method: clinical testing. Allele origin: germline. Affected: yes. Not counted in ClinVar's aggregate classification.

KCCC/NGS Laboratory, Kuwait Cancer Control Center
Classification: Benign for Breast-ovarian cancer, familial, susceptibility to, 1. Last evaluated: 2025-02-01. Review status: criteria provided, single submitter. Criteria: ACMG Guidelines, 2015. Collection method: clinical testing. Allele origin: germline. Affected: no. Not counted in ClinVar's aggregate classification.

Blueprint Genetics
Classification: Likely benign. Last evaluated: 2024-08-07. Review status: criteria provided, single submitter. Criteria: ACMG Guidelines, 2015. Collection method: clinical testing. Allele origin: germline. Not counted in ClinVar's aggregate classification.

Quest Diagnostics Nichols Institute San Juan Capistrano
Classification: Benign. Last evaluated: 2023-06-28. Review status: criteria provided, single submitter. Criteria: Quest Diagnostics criteria. Collection method: clinical testing. Allele origin: unknown. Not counted in ClinVar's aggregate classification.

CeGaT Center for Human Genetics Tuebingen
Classification: Likely benign. Last evaluated: 2022-10-01. Review status: criteria provided, single submitter. Criteria: CeGaT Center For Human Genetics Tuebingen Variant Classification Criteria Version 2. Collection method: clinical testing. Allele origin: germline. Affected: yes. Observed: 1 variant allele. Not counted in ClinVar's aggregate classification.
Comment: BRCA1: BP4

Genetics and Molecular Pathology, SA Pathology
Classification: Benign for Breast-ovarian cancer, familial, susceptibility to, 1. Last evaluated: 2022-05-25. Review status: criteria provided, single submitter. Criteria: ACMG Guidelines, 2015. Collection method: clinical testing. Allele origin: germline. Affected: yes. Not counted in ClinVar's aggregate classification.
Comment: The BRCA1 c.2412G>C variant is classified as Benign

Women's Health and Genetics/Laboratory Corporation of America, LabCorp
Classification: Benign. Last evaluated: 2021-08-19. Review status: criteria provided, single submitter. Criteria: LabCorp Variant Classification Summary - May 2015. Collection method: clinical testing. Allele origin: germline. Not counted in ClinVar's aggregate classification.
Comment: Variant summary: BRCA1 c.2412G>C (p.Gln804His) results in a non-conservative amino acid change in the encoded protein sequence. Three of five in-silico tools predict a benign effect of the variant on protein function. The variant allele was found at a frequency of 7.5e-05 in 360276 control chromosomes (gnomAD and publications). This frequency is not higher than expected for a pathogenic variant in BRCA1 causing Hereditary Breast And Ovarian Cancer Syndrome (7.5e-05 vs 0.001), allowing no conclusion about variant significance. c.2412G>C has been reported in the literature in individuals affected with Hereditary Breast And Ovarian Cancer Syndrome (e.g. Ellis_2000, Meindl_2002, Haffty_2005, Judkins_2005, Lalloo_2006, Wadell_2008, Tazzite_2012, Dougherty_2017, Dorling_2021) but was also reported in controls (Dorling_2021). These reports do not provide unequivocal conclusions about association of the variant with Hereditary Breast And Ovarian Cancer Syndrome. Multiple co-occurrences with pathogenic variants have been reported (e.g. BRCA2 c.1310_1313delAAGA, p.Lys437IlefsX22; BRCA2 c.8167G>C, p.Asp2723His; BRCA2 c.2808_2811delACAA, p.Ala938fsX21) (Wadell_2008, Konecny_2011, Tazzite_2012; UMD and BIC databases), providing supporting evidence for a benign role. To our knowledge, no experimental evidence demonstrating an impact on protein function has been reported. Studies utilizing a multifactorial likelihood model for classification of variants which uses data such as co-occurrence with pathogenic mutations, co-segregation with disease, histopathology and immunochemical profiles of associated tumors and personal and family history of cancer, concluded the variant to be neutral (Chenevix-Trench_2006, Easton_2007, Lindor_2012). Six ClinVar submitters including an expert panel (ENIGMA) (evaluation after 2014) cite the variant as benign/likely benign. Based on the evidence outlined above, the variant was classified as benign.

ARUP Laboratories, Molecular Genetics and Genomics, ARUP Laboratories
Classification: Likely benign. Last evaluated: 2021-06-22. Review status: criteria provided, single submitter. Criteria: ARUP Molecular Germline Variant Investigation Process 2021. Collection method: clinical testing. Allele origin: germline. Not counted in ClinVar's aggregate classification.

Sema4
Classification: Likely benign for Hereditary cancer-predisposing syndrome. Last evaluated: 2021-04-12. Review status: criteria provided, single submitter. Criteria: Sema4 Curation Guidelines. Collection method: curation. Allele origin: germline. Not counted in ClinVar's aggregate classification.

GeneDx
Classification: Likely benign. Last evaluated: 2020-03-13. Review status: criteria provided, single submitter. Criteria: GeneDx Variant Classification Process June 2021. Collection method: clinical testing. Allele origin: germline. Affected: yes. Not counted in ClinVar's aggregate classification.
Comment: This variant is associated with the following publications: (PMID: 26381082, 18446624, 28857155, 22425665, 22366370, 16644204, 21203900, 22753008, 11183185, 16489001, 11802209, 12457999, 17924331, 21990134, 15235020, 24728327)

Genetic Services Laboratory, University of Chicago
Classification: Likely benign. Last evaluated: 2018-12-04. Review status: criteria provided, single submitter. Criteria: ACMG Guidelines, 2015. Collection method: clinical testing. Allele origin: germline. Affected: no. Not counted in ClinVar's aggregate classification.

Clinical Genetics DNA and cytogenetics Diagnostics Lab, Erasmus MC, Erasmus Medical Center
Classification: Benign for Breast-ovarian cancer, familial, susceptibility to, 1. Last evaluated: 2015-09-21. Review status: criteria provided, single submitter. Criteria: ACGS Guidelines, 2013. Collection method: clinical testing. Allele origin: germline. Affected: yes. Study: VKGL Data-share Consensus. Not counted in ClinVar's aggregate classification.

NM_007294.4(BRCA1):c.2412G>C (p.Gln804His)

Gene: BRCA1 (BRCA1 DNA repair associated; minus strand). Cytogenetic location: 17q21.31.
Variant type: single nucleotide variant.
Coding change: c.2412G>C on transcript NM_007294.4 (MANE Select); coding-DNA position 2412, G replaced by C.
Protein change: p.Gln804His; replaces glutamine 804 with histidine.
Molecular consequence: missense variant. On other transcripts: intron variant (137).
Genome position (GRCh38, 1-based): chr17:43,093,119, C>G on the plus strand (G>C on the coding strand, the complement: BRCA1 is on the minus strand). VCF-style: chr17-43093119-C-G. GRCh37 (hg19) VCF-style: chr17-41245136-C-G.
Other names: p.Q804H:CAG>CAC; 2531G>C; c.2412G>C, p.Gln804His (NM_001407582.1, NM_001407583.1, NM_001407585.1 and 30 more transcripts); c.2409G>C, p.Gln803His (NM_001407587.1, NM_001407590.1, NM_001407591.1 and 22 more transcripts); c.2403G>C, p.Gln801His (NM_001407646.1, NM_001407647.1); c.2289G>C, p.Gln763His (NM_001407648.1, NM_001407664.1, NM_001407665.1 and 19 more transcripts); c.2286G>C, p.Gln762His (NM_001407649.1, NM_001407670.1, NM_001407671.1 and 11 more transcripts); c.2334G>C, p.Gln778His (NM_001407663.1, NM_001407653.1, NM_001407654.1 and 4 more transcripts); and 44 more; short protein forms Q804H, Q757H, Q676H, Q693H, Q734H, Q778H, Q777H, Q803H.
Identifiers: ClinVar variation 54561 (VCV000054561.63), dbSNP rs55746541, ClinGen allele CA001608.